The following is an entry in ClinVar:

ClinVar aggregate classification (germline): Uncertain significance (1 of 4 stars; one submission).

Conditions:
Hypertrophic cardiomyopathy. Also called: HYPERTROPHIC MYOCARDIOPATHY. Identifiers: Orphanet 217569, MedGen C0007194, MeSH D002312, MONDO:0005045, HP:0001639.

Submission:

Labcorp Genetics (formerly Invitae), Labcorp
Classification: Uncertain significance for Hypertrophic cardiomyopathy. Last evaluated: 2022-09-13. Review status: criteria provided, single submitter. Criteria: Invitae Variant Classification Sherloc (09022015). Collection method: clinical testing. Allele origin: germline.
Comment: A copy number gain of the genomic region encompassing the full coding sequence of the TPM1 gene has been identified. The boundaries of this event are unknown as they extend beyond the assayed region for this gene and therefore may encompass additional genes. As the precise location of this event is unknown, it may be in tandem or it may be located elsewhere in the genome. This variant has not been reported in the literature in individuals affected with TPM1-related conditions. Experimental studies and prediction algorithms are not available or were not evaluated, and the functional significance of this variant is currently unknown. In summary, the available evidence is currently insufficient to determine the role of this variant in disease. Therefore, it has been classified as a Variant of Uncertain Significance.

NC_000015.10:g.(?_63041639)_(63067093_?)dup

Gene: TPM1 (tropomyosin 1; plus strand). Cytogenetic location: 15q22.2.
Variant type: Duplication.
Identifiers: ClinVar variation 831139 (VCV000831139.2).